The following is an entry in ClinVar:

NM_001018111.3(PODXL):c.351T>A (p.Thr117=)

Gene: PODXL (podocalyxin like; minus strand). Cytogenetic location: 7q32.3.
Variant type: single nucleotide variant.
Coding change: c.351T>A on transcript NM_001018111.3 (MANE Select); coding-DNA position 351, T replaced by A.
Protein change: p.Thr117=; no amino-acid change (threonine 117 retained).
Molecular consequence: synonymous variant.
Genome position (GRCh38, 1-based): chr7:131,511,183, A>T on the plus strand (T>A on the coding strand, the complement: PODXL is on the minus strand). VCF-style: chr7-131511183-A-T. GRCh37 (hg19) VCF-style: chr7-131195942-A-T.
Other names: c.351T>A, p.Thr117= (NM_005397.4).
Identifiers: ClinVar variation 4681787 (VCV004681787.5).
Genomic context (GRCh38, chr7:131,511,183, plus strand): 5'-GGAGGTTGCAACTGTAGTGGTGTCTGCACTTTTTGTGCTCTTGGGGCTCTCGATGGTGGT[A>T]GTAGGGTTGCCTGAGCCGCCTCCTCTAGCCACGGTAGTGTTGACTGGGCCTGAGACTTGC-3'
Protein context (NP_001018121.1, residues 107-127): VARGGGSGNP[Thr117=]TTIESPKSTK

ClinVar aggregate classification (germline): Likely benign (1 of 4 stars; one submission).

Submission:

CeGaT Center for Human Genetics Tuebingen
Classification: Likely benign. Last evaluated: 2025-12-01. Review status: criteria provided, single submitter. Criteria: CeGaT Center For Human Genetics Tuebingen Variant Classification Criteria Version 2. Collection method: clinical testing. Allele origin: germline. Affected: yes. Observed: 1 variant allele.
Comment: PODXL: PM2:Supporting, BP4, BP7